The following is an entry in ClinVar:

NM_153704.6(TMEM67):c.1132-2A>G

Gene: TMEM67 (transmembrane protein 67; plus strand). Cytogenetic location: 8q22.1.
Variant type: single nucleotide variant.
Coding change: c.1132-2A>G on transcript NM_153704.6 (MANE Select); the canonical splice acceptor site of the intron before coding-DNA position 1132, A replaced by G.
Molecular consequence: splice acceptor variant.
Genome position (GRCh38, 1-based): chr8:93,785,220, A>G. VCF-style: chr8-93785220-A-G. GRCh37 (hg19) VCF-style: chr8-94797448-A-G.
Other names: c.889-2A>G (NM_001142301.1).
Identifiers: ClinVar variation 1878360 (VCV001878360.5), dbSNP rs777092269, ClinGen allele CA4807890.

ClinVar aggregate classification (germline): Likely pathogenic. Review status: criteria provided, multiple submitters, no conflicts (2 of 4 stars). 3 submissions from 3 submitters: Likely pathogenic (3). Last evaluated 2026-01-26.

Conditions:
Joubert syndrome. Also called: JOUBERT-BOLTSHAUSER SYNDROME; Familial aplasia of the vermis. Identifiers: Orphanet 475, MedGen C5979921, MONDO:0018772.
Meckel-Gruber syndrome. Also called: DYSENCEPHALIA SPLANCHNOCYSTICA; GRUBER SYNDROME; Dysencephalia splachnocystica. Identifiers: Orphanet 564, MedGen C0265215, MONDO:0018921.
Joubert syndrome and related disorders. Identifiers: Orphanet 140874, MedGen C5679612, MONDO:0015369.
TMEM67-related disorder. Also called: TMEM67-related condition; TMEM67-related disorders. Identifiers: MedGen CN239423.

Allele frequency attached by ClinVar (database versions not stated): TOPMed below 0.00001; ExAC 0.00001; gnomAD exomes 0.00001.
gnomAD v4.1: 10 of 1,553,720 alleles (0.00064%); highest among the groups gnomAD compares: Non-Finnish European, 0.000089%; no homozygotes.

Submissions (3):

Labcorp Genetics (formerly Invitae), Labcorp
Classification: Likely pathogenic for Joubert syndrome; Meckel-Gruber syndrome. Last evaluated: 2026-01-26. Review status: criteria provided, single submitter. Criteria: Invitae Variant Classification Sherloc (09022015). Collection method: clinical testing. Allele origin: germline.
Comment: This sequence change affects an acceptor splice site in intron 11 of the TMEM67 gene. It is expected to disrupt RNA splicing. Variants that disrupt the donor or acceptor splice site typically lead to a loss of protein function (PMID: 16199547), and loss-of-function variants in TMEM67 are known to be pathogenic (PMID: 20232449, 23559409). This variant is present in population databases (rs777092269, gnomAD 0.03%). Disruption of this splice site has been observed in individual(s) with TMEM67-related conditions (PMID: 29947050). ClinVar contains an entry for this variant (Variation ID: 1878360). Algorithms developed to predict the effect of sequence changes on RNA splicing suggest that this variant may disrupt the consensus splice site. In summary, the currently available evidence indicates that the variant is pathogenic, but additional data are needed to prove that conclusively. Therefore, this variant has been classified as Likely Pathogenic.

PreventionGenetics, part of Exact Sciences
Classification: Likely pathogenic for TMEM67-related condition. Last evaluated: 2025-06-25. Review status: criteria provided, single submitter. Criteria: ACMG Guidelines, 2015. Collection method: clinical testing. Allele origin: germline.
Comment: The TMEM67 c.1132-2A>G variant is predicted to disrupt the AG splice acceptor site and interfere with normal splicing. This variant has been reported in an individual with Meckel-Gruber syndrome (Daum et al. 2019. PubMed ID: 29947050). This variant is reported in 0.020% of alleles in individuals of Ashkenazi Jewish descent in gnomAD and is interpreted as likely pathogenic in ClinVar. Variants that disrupt the consensus splice acceptor site in TMEM67 are expected to be pathogenic. This variant is interpreted as likely pathogenic.

Women's Health and Genetics/Laboratory Corporation of America, LabCorp
Classification: Likely pathogenic for Joubert syndrome and related disorders. Last evaluated: 2022-12-21. Review status: criteria provided, single submitter. Criteria: LabCorp Variant Classification Summary - May 2015. Collection method: clinical testing. Allele origin: germline.
Comment: Variant summary: TMEM67 c.1132-2A>G is located in a canonical splice-site and is predicted to affect mRNA splicing resulting in a significantly altered protein due to either exon skipping, shortening, or inclusion of intronic material. Several computational tools predict a significant impact on normal splicing: Four predict the variant abolishes the cannonical 3' acceptor site, and two predict the variant creates a 3' acceptor site 6 nucleotides downstream of the wild-type splice site. However, these predictions have yet to be confirmed by functional studies. The variant allele was found at a frequency of 8e-06 in 249162 control chromosomes. However, the available data on variant occurrences in the general population are insufficient to allow any conclusion about variant significance. c.1132-2A>G has been reported in the literature in at least one individual affected with Meckel-Gruber syndrome (e.g. Daum_2019). To our knowledge, no experimental evidence demonstrating an impact on protein function has been reported. No clinical diagnostic laboratories have submitted clinical-significance assessments for this variant to ClinVar after 2014. Based on the evidence outlined above, the variant was classified as likely pathogenic.

Literature cited by the submitters: PubMed 16199547 (cited by Labcorp Genetics (formerly Invitae), Labcorp); PubMed 20232449 (cited by Labcorp Genetics (formerly Invitae), Labcorp); PubMed 23559409 (cited by Labcorp Genetics (formerly Invitae), Labcorp); PubMed 29947050 (cited by Labcorp Genetics (formerly Invitae), Labcorp and Women's Health and Genetics/Laboratory Corporation of America, LabCorp).